The following is an entry in ClinVar:

ClinVar aggregate classification (germline): Uncertain significance (1 of 4 stars; one submission).

Submission:

Laboratorio de Genetica e Diagnostico Molecular, Hospital Israelita Albert Einstein
Classification: Uncertain significance. Last evaluated: 2021-11-27. Review status: criteria provided, single submitter. Criteria: ACMG Guidelines, 2015. Collection method: clinical testing. Allele origin: germline. Affected: yes.
Comment: ACMG classification criteria: PM2, PP3

NM_003107.3(SOX4):c.382T>C (p.Tyr128His)

Gene: SOX4 (SRY-box transcription factor 4; plus strand). Cytogenetic location: 6p22.3.
Variant type: single nucleotide variant.
Coding change: c.382T>C on transcript NM_003107.3 (MANE Select); coding-DNA position 382, T replaced by C.
Protein change: p.Tyr128His; replaces tyrosine 128 with histidine.
Molecular consequence: missense variant.
Genome position (GRCh38, 1-based): chr6:21,594,916, T>C. VCF-style: chr6-21594916-T-C. GRCh37 (hg19) VCF-style: chr6-21595147-T-C.
Other names: short protein forms Y128H.
Identifiers: ClinVar variation 1690506 (VCV001690506.2), dbSNP rs2113557278, ClinGen allele CA363270332.